The following is an entry in ClinVar:

ClinVar aggregate classification (germline): Uncertain significance (1 of 4 stars; one submission).

Conditions:
Developmental and epileptic encephalopathy, 30 (DEE30). Also called: Epileptic encephalopathy, early infantile, 30. Identifiers: MedGen C4225360, MONDO:0014595, OMIM 616341.

Submission:

Labcorp Genetics (formerly Invitae), Labcorp
Classification: Uncertain significance for Developmental and epileptic encephalopathy, 30. Last evaluated: 2025-12-13. Review status: criteria provided, single submitter. Criteria: Invitae Variant Classification Sherloc (09022015). Collection method: clinical testing. Allele origin: germline.
Comment: This sequence change replaces proline, which is neutral and non-polar, with leucine, which is neutral and non-polar, at codon 710 of the SIK1 protein (p.Pro710Leu). The frequency data for this variant in the population databases is considered unreliable, as metrics indicate poor data quality at this position in the gnomAD database. This variant has not been reported in the literature in individuals affected with SIK1-related conditions. ClinVar contains an entry for this variant (Variation ID: 2717788). Invitae Evidence Modeling of protein sequence and biophysical properties (such as structural, functional, and spatial information, amino acid conservation, physicochemical variation, residue mobility, and thermodynamic stability) indicates that this missense variant is not expected to disrupt SIK1 protein function with a negative predictive value of 95%. In summary, the available evidence is currently insufficient to determine the role of this variant in disease. Therefore, it has been classified as a Variant of Uncertain Significance.

NM_173354.5(SIK1):c.2129C>T (p.Pro710Leu)

Gene: SIK1 (salt inducible kinase 1; minus strand). Cytogenetic location: 21q22.3.
Variant type: single nucleotide variant.
Coding change: c.2129C>T on transcript NM_173354.5 (MANE Select); coding-DNA position 2129, C replaced by T.
Protein change: p.Pro710Leu; replaces proline 710 with leucine.
Molecular consequence: missense variant.
Genome position (GRCh38, 1-based): chr21:43,416,965, G>A on the plus strand (C>T on the coding strand, the complement: SIK1 is on the minus strand). VCF-style: chr21-43416965-G-A. GRCh37 (hg19) VCF-style: chr21-44836845-G-A.
Other names: short protein forms P710L.
Identifiers: ClinVar variation 2717788 (VCV002717788.3), dbSNP rs1413502779, ClinGen allele CA410606598.